The following is an entry in ClinVar:

NM_000531.6(OTC):c.197G>A (p.Arg66Lys)

Gene: OTC (ornithine transcarbamylase; plus strand). Cytogenetic location: Xp11.4.
Variant type: single nucleotide variant.
Coding change: c.197G>A on transcript NM_000531.6 (MANE Select); coding-DNA position 197, G replaced by A.
Protein change: p.Arg66Lys; replaces arginine 66 with lysine.
Molecular consequence: missense variant.
Genome position (GRCh38, 1-based): chrX:38,367,410, G>A. VCF-style: chrX-38367410-G-A. GRCh37 (hg19) VCF-style: chrX-38226663-G-A.
Other names: c.197G>A, p.Arg66Lys (NM_001407092.1); short protein forms R66K.
Identifiers: ClinVar variation 2503299 (VCV002503299.2), dbSNP rs2519950770, ClinGen allele CA412716412.
Genomic context (GRCh38, chrX:38,367,410, plus strand): 5'-AAAACTTTACCGGAGAAGAAATTAAATATATGCTATGGCTATCAGCAGATCTGAAATTTA[G>A]GATAAAACAGAAAGGAGAGGTATGTAACATTTTCTTTTTACGTTCCATTACTACCAGTCC-3'
Protein context (NP_000522.3, residues 56-76): MLWLSADLKF[Arg66Lys]IKQKGEYLPL

ClinVar aggregate classification (germline): Uncertain significance. Review status: criteria provided, multiple submitters, no conflicts (2 of 4 stars). 2 submissions from 2 submitters: Uncertain significance (2). Last evaluated 2024-03-05.

Conditions:
Ornithine carbamoyltransferase deficiency (OTCD). Also called: ORNITHINE TRANSCARBAMYLASE DEFICIENCY; Ornithine Carbamoyltransferase Deficiency Disease; ORNITHINE TRANSCARBAMYLASE DEFICIENCY, HYPERAMMONEMIA DUE TO; OTC DEFICIENCY. Identifiers: Orphanet 664, MedGen C0268542, MONDO:0010703, OMIM 311250.

Submissions (2):

All of Us Research Program, National Institutes of Health
Classification: Uncertain significance for Ornithine carbamoyltransferase deficiency. Last evaluated: 2024-03-05. Review status: criteria provided, single submitter. Criteria: ACMG Guidelines, 2015. Collection method: clinical testing. Allele origin: germline. Inheritance: X-linked inheritance. Observed: 1 variant allele, 1 heterozygote.
Comment: This study involves interpretation of variants in research participants for the purpose of population health screening. Participant phenotype was not available at the time of variant classification. Additional details can be found in publication PMID: 35346344, PMCID: PMC8962531

GeneDx
Classification: Uncertain significance. Last evaluated: 2022-11-23. Review status: criteria provided, single submitter. Criteria: GeneDx Variant Classification Process June 2021. Collection method: clinical testing. Allele origin: germline. Affected: yes.
Comment: Not observed at significant frequency in large population cohorts (gnomAD); In silico analysis supports that this missense variant does not alter protein structure/function; Has not been previously published as pathogenic or benign to our knowledge